The following is an entry in ClinVar:

NM_001376.5(DYNC1H1):c.13651G>A (p.Ala4551Thr)

Gene: DYNC1H1 (dynein cytoplasmic 1 heavy chain 1; plus strand). Cytogenetic location: 14q32.31.
Variant type: single nucleotide variant.
Coding change: c.13651G>A on transcript NM_001376.5 (MANE Select); coding-DNA position 13651, G replaced by A.
Protein change: p.Ala4551Thr; replaces alanine 4551 with threonine.
Molecular consequence: missense variant.
Genome position (GRCh38, 1-based): chr14:102,049,849, G>A. VCF-style: chr14-102049849-G-A. GRCh37 (hg19) VCF-style: chr14-102516186-G-A.
Other names: short protein forms A4551T.
Identifiers: ClinVar variation 648018 (VCV000648018.41), dbSNP rs145366078, ClinGen allele CA7354296.

ClinVar aggregate classification (germline): Conflicting classifications of pathogenicity. Review status: criteria provided, conflicting classifications (1 of 4 stars). 6 submissions from 6 submitters: Uncertain significance (2); Likely benign (3). 1 of the submissions does not count toward it. Last evaluated 2026-07-01.

Conditions:
Charcot-Marie-Tooth disease axonal type 2O. Also called: Charcot-Marie-Tooth disease, axonal, type 20; CHARCOT-MARIE-TOOTH NEUROPATHY, AXONAL, TYPE 2O; CHARCOT-MARIE-TOOTH DISEASE, AXONAL, AUTOSOMAL DOMINANT, TYPE 2O; Charcot-Marie-Tooth Neuropathy Type 2O. Identifiers: Orphanet 284232, MedGen C3280220, MONDO:0013644, OMIM 614228.
Inborn genetic diseases. Identifiers: MedGen C0950123, MeSH D030342.
Cortical dysplasia, complex, with other brain malformations 13. Also called: Intellectual disability, autosomal dominant 13. Identifiers: MedGen C3281202, MONDO:0013805, OMIM 614563.

Allele frequency attached by ClinVar (database versions not stated): ExAC 0.00003; gnomAD 0.00003; gnomAD exomes 0.00003; TOPMed 0.00004; ESP Exome Variant Server 0.00008.
gnomAD v4.1: 49 of 1,613,830 alleles (0.003%); highest among the groups gnomAD compares: Non-Finnish European, 0.0037%; no homozygotes.

Submissions (6):

CeGaT Center for Human Genetics Tuebingen
Classification: Likely benign. Last evaluated: 2026-07-01. Review status: criteria provided, single submitter. Criteria: CeGaT Center For Human Genetics Tuebingen Variant Classification Criteria Version 2. Collection method: clinical testing. Allele origin: germline. Affected: yes. Observed: 4 variant alleles.
Comment: DYNC1H1: BP4, BS2

Labcorp Genetics (formerly Invitae), Labcorp
Classification: Likely benign for Charcot-Marie-Tooth disease axonal type 2O. Last evaluated: 2026-01-05. Review status: criteria provided, single submitter. Criteria: Invitae Variant Classification Sherloc (09022015). Collection method: clinical testing. Allele origin: germline.

Ambry Genetics
Classification: Uncertain significance for Inborn genetic diseases. Last evaluated: 2020-07-27. Review status: criteria provided, single submitter. Criteria: Ambry Variant Classification Scheme 2023. Collection method: clinical testing. Allele origin: germline.
Comment: The p.A4551T variant (also known as c.13651G>A), located in coding exon 76 of the DYNC1H1 gene, results from a G to A substitution at nucleotide position 13651. The alanine at codon 4551 is replaced by threonine, an amino acid with similar properties. This amino acid position is well conserved in available vertebrate species. In addition, this alteration is predicted to be tolerated by in silico analysis. Since supporting evidence is limited at this time, the clinical significance of this alteration remains unclear.

GeneDx
Classification: Likely benign. Last evaluated: 2019-04-04. Review status: criteria provided, single submitter. Criteria: GeneDx Variant Classification Process June 2021. Collection method: clinical testing. Allele origin: germline. Affected: yes.

Athena Diagnostics
Classification: Uncertain significance. Last evaluated: 2019-02-01. Review status: criteria provided, single submitter. Criteria: Athena Diagnostics Criteria. Collection method: clinical testing. Allele origin: germline.

Service de Génétique Moléculaire, Hôpital Robert Debré
Classification: Likely benign for Cortical dysplasia, complex, with other brain malformations 13. Review status: no assertion criteria provided. Collection method: clinical testing. Allele origin: unknown. Affected: yes. Not counted in ClinVar's aggregate classification.